The following is an entry in ClinVar:

ClinVar aggregate classification (germline): Uncertain significance (1 of 4 stars; one submission).

Conditions:
CEP290-related disorder. Also called: CEP290-related condition; CEP290-related disorders. Identifiers: MedGen CN239314.

gnomAD v4.1: 2 of 1,607,176 alleles (0.00012%); highest among the groups gnomAD compares: Admixed American, 0.0017%; no homozygotes.

Submission:

PreventionGenetics, part of Exact Sciences
Classification: Uncertain significance for CEP290-related condition. Last evaluated: 2025-05-14. Review status: criteria provided, single submitter. Criteria: ACMG Guidelines, 2015. Collection method: clinical testing. Allele origin: germline.
Comment: The CEP290 c.1532C>G variant is predicted to result in the amino acid substitution p.Pro511Arg. To our knowledge, this variant has not been reported in the literature or in a large population database (gnomAD), indicating this variant is rare. At this time, the clinical significance of this variant is uncertain due to the absence of conclusive functional and genetic evidence.

NM_025114.4(CEP290):c.1532C>G (p.Pro511Arg)

Gene: CEP290 (centrosomal protein 290; minus strand). Cytogenetic location: 12q21.32.
Variant type: single nucleotide variant.
Coding change: c.1532C>G on transcript NM_025114.4 (MANE Select); coding-DNA position 1532, C replaced by G.
Protein change: p.Pro511Arg; replaces proline 511 with arginine.
Molecular consequence: missense variant.
Genome position (GRCh38, 1-based): chr12:88,118,734, G>C on the plus strand (C>G on the coding strand, the complement: CEP290 is on the minus strand). VCF-style: chr12-88118734-G-C. GRCh37 (hg19) VCF-style: chr12-88512511-G-C.
Other names: short protein forms P511R.
Identifiers: ClinVar variation 4982343 (VCV004982343.1).
Genomic context (GRCh38, chr12:88,118,734, plus strand): 5'-TACTGCTGCTGTTTTAAGTGTTTGCTATTTCTAAATTCAGTTAAATCAATCATTGTCTTT[G>C]GTTCAAGGCCTACAATAGAAAGCAATATAATTAAAAACTTAAAAACATTCAAATAAGCTG-3'
Protein context (NP_079390.3, residues 501-521): EALRERVGLE[Pro511Arg]KTMIDLTEFR